The following is an entry in ClinVar:

ClinVar aggregate classification (germline): Uncertain significance (0 of 4 stars; one submission).

Submission:

Richard Lifton Laboratory, Yale University School of Medicine
Classification: Uncertain significance. Review status: no assertion criteria provided. Collection method: not provided. Allele origin: somatic.
Comment: TNNT2
ClinVar note: Converted during submission from unknown to Uncertain significance.

NM_001276345.2(TNNT2):c.245C>A (p.Pro82His)

Gene: TNNT2 (troponin T2, cardiac type; minus strand). Cytogenetic location: 1q32.1.
Variant type: single nucleotide variant.
Coding change: c.245C>A on transcript NM_001276345.2 (MANE Select); coding-DNA position 245, C replaced by A.
Protein change: p.Pro82His; replaces proline 82 with histidine.
Molecular consequence: missense variant.
Genome position (GRCh38, 1-based): chr1:201,365,659, G>T on the plus strand (C>A on the coding strand, the complement: TNNT2 is on the minus strand). VCF-style: chr1-201365659-G-T. GRCh37 (hg19) VCF-style: chr1-201334787-G-T.
Other names: c.245C>A, p.Pro82His (NM_000364.4); c.215C>A, p.Pro72His (NM_001001430.3, NM_001001431.3, NM_001276347.2); c.200C>A, p.Pro67His (NM_001001432.3); c.242C>A, p.Pro81His (NM_001276346.2); short protein forms P72H, P82H, P67H, P81H.
Identifiers: ClinVar variation 91910 (VCV000091910.2), dbSNP rs386352374, ClinGen allele CA004134.